The following is an entry in ClinVar:

ClinVar aggregate classification (germline): Uncertain significance. Review status: criteria provided, multiple submitters, no conflicts (2 of 4 stars). 3 submissions from 3 submitters: Uncertain significance (3). Last evaluated 2024-01-17.

Conditions:
Hereditary factor VIII deficiency disease (HEMA). Also called: AUTOSOMAL HEMOPHILIA A; Hemophilia A, congenital; HEM A; Factor 8 deficiency, congenital; HEMOPHILIA, CLASSIC; Hemophilia A. Identifiers: Orphanet 98878, MedGen C0019069, MONDO:0010602, OMIM 306700.
F8-related disorder. Also called: F8-related condition.

Submissions (3):

Women's Health and Genetics/Laboratory Corporation of America, LabCorp
Classification: Uncertain significance. Last evaluated: 2024-01-17. Review status: criteria provided, single submitter. Criteria: LabCorp Variant Classification Summary - May 2015. Collection method: clinical testing. Allele origin: germline.
Comment: Variant summary: F8 c.6523_6525delTAT (p.Tyr2175del) results in an in-frame deletion that is predicted to remove one amino acid from the encoded protein. The variant was absent in 183351 control chromosomes (gnomAD). The available data on variant occurrences in the general population are insufficient to allow any conclusion about variant significance. c.6523_6525delTAT has been reported in the literature in an individual affected with mild Factor VIII Deficiency (Hemophilia A)(Rydz_2013). These data do not allow any conclusion about variant significance. To our knowledge, no experimental evidence demonstrating an impact on protein function has been reported. The following publication has been ascertained in the context of this evaluation (PMID: 23913812). ClinVar contains an entry for this variant (Variation ID: 993637). Based on the evidence outlined above, the variant was classified as uncertain significance.

PreventionGenetics, part of Exact Sciences
Classification: Uncertain significance for F8-related condition. Last evaluated: 2023-08-11. Review status: criteria provided, single submitter. Criteria: ACMG Guidelines, 2015. Collection method: clinical testing. Allele origin: germline.
Comment: The F8 c.6523_6525delTAT variant is predicted to result in an in-frame deletion (p.Tyr2175del). This variant was reported in an individual with mild case of hemophilia A (reported as 6521delATT, Table S2, Rydz et al. 2013. PubMed ID: 23913812). This variant has not been reported in a large population database, indicating this variant is rare. Although we suspect that this variant may be pathogenic, at this time, the clinical significance of this variant is uncertain due to the absence of conclusive functional and genetic evidence.

ARUP Laboratories, Molecular Genetics and Genomics, ARUP Laboratories
Classification: Uncertain significance for Hereditary factor VIII deficiency disease. Last evaluated: 2020-02-11. Review status: criteria provided, single submitter. Criteria: ARUP Molecular Germline Variant Investigation Process. Collection method: clinical testing. Allele origin: germline.
Comment: The F8 c.6523_6525delTAT; p.Tyr2175del variant, also known as 6521delATT, is reported in the literature in at least one individual affected with mild hemophilia A (Rydz 2013). This variant is absent from general population databases (Exome Variant Server, Genome Aggregation Database), indicating it is not a common polymorphism. This variant deletes a single tyrosine residue leaving the rest of the protein in-frame. Due to limited information, the clinical significance of the p.Tyr2175del variant is uncertain at this time. References: Rydz N et al. The Canadian "National Program for hemophilia mutation testing" database: a ten-year review. Am J Hematol. 2013 Dec;88(12):1030-4.

Literature cited by the submitters: PubMed 23913812 (cited by Women's Health and Genetics/Laboratory Corporation of America, LabCorp).

NM_000132.4(F8):c.6523_6525del (p.Tyr2175del)

Gene: F8 (coagulation factor VIII; minus strand). Cytogenetic location: Xq28.
Variant type: Deletion.
Coding change: c.6523_6525del on transcript NM_000132.4 (MANE Select); coding-DNA positions 6523 to 6525, 3 bases deleted (TAT; older notation c.6523_6525delTAT).
Protein change: p.Tyr2175del; deletes tyrosine 2175.
Molecular consequence: inframe deletion.
Genome position (GRCh38, 1-based): chrX:154,863,132-154,863,134, ATA deleted on the plus strand (TAT on the coding strand, the reverse complement: F8 is on the minus strand); deleting any 3 consecutive bases within chrX:154,863,132-154,863,136 gives the same sequence; the c. name uses the placement nearest the transcript's 3' end. VCF-style (leftmost placement, unchanged base first): chrX-154863131-TATA-T. GRCh37 (hg19) VCF-style: chrX-154091406-TATA-T.
Other names: c.6523_6525delTAT (NM_000132.4); c.118_120del, p.Tyr40del (NM_019863.3); short protein forms Y2175del, Y40del.
Identifiers: ClinVar variation 993637 (VCV000993637.10), dbSNP rs2072706332, ClinGen allele CA1139667895.